The following is an entry in ClinVar:

NM_000059.4(BRCA2):c.7008-705A>G

Gene: BRCA2 (BRCA2 DNA repair associated; plus strand). Cytogenetic location: 13q13.1.
Variant type: single nucleotide variant.
Coding change: c.7008-705A>G on transcript NM_000059.4 (MANE Select); 705 bases into the intron before coding-DNA position 7008, A replaced by G.
Molecular consequence: intron variant.
Genome position (GRCh38, 1-based): chr13:32,354,156, A>G. VCF-style: chr13-32354156-A-G. GRCh37 (hg19) VCF-style: chr13-32928293-A-G.
Identifiers: ClinVar variation 264868 (VCV000264868.1), dbSNP rs190340680, ClinGen allele CA10588120.

ClinVar aggregate classification (germline): Benign (3 of 4 stars; one submission).

Conditions:
Breast-ovarian cancer, familial, susceptibility to, 2 (BROVCA2). Also called: BRCA2 Hereditary Breast and Ovarian Cancer. Identifiers: Orphanet 145, MedGen C2675520, MONDO:0012933, OMIM 612555. Disease mechanism: loss of function.

Allele frequency attached by ClinVar (database versions not stated): gnomAD 0.00117 and 0.00120; 1000 Genomes Project 0.00240; TOPMed 0.00249; 1000 Genomes Project 30x 0.00281.
gnomAD v4.1: 191 of 152,314 alleles (0.13%); highest among the groups gnomAD compares: Admixed American, 0.85%; 2 homozygotes.

Submission:

Evidence-based Network for the Interpretation of Germline Mutant Alleles (ENIGMA)
Classification: Benign for Breast-ovarian cancer, familial, susceptibility to, 2. Last evaluated: 2016-09-28. Review status: reviewed by expert panel. Criteria: ENIGMA BRCA1/2 Classification Criteria (2015). Collection method: curation. Allele origin: germline.
Comment: Class 1 not pathogenic based on frequency >1% in an outbred sampleset. Frequency 0.0144 (Admixed American/Latino), derived from 1000 genomes (2013-05-02).